The following is an entry in ClinVar:

ClinVar aggregate classification (germline): Likely pathogenic (1 of 4 stars; one submission).

Allele frequency attached by ClinVar (database versions not stated): ExAC 0.00001; gnomAD 0.00001; TOPMed 0.00001.
gnomAD v4.1: 25 of 1,609,986 alleles (0.0016%); highest among the groups gnomAD compares: Non-Finnish European, 0.002%; no homozygotes.

Submission:

Labcorp Genetics (formerly Invitae), Labcorp
Classification: Likely pathogenic. Last evaluated: 2024-01-02. Review status: criteria provided, single submitter. Criteria: Invitae Variant Classification Sherloc (09022015). Collection method: clinical testing. Allele origin: germline.
Comment: This sequence change affects an acceptor splice site in intron 6 of the RAB28 gene. It is expected to disrupt RNA splicing. Variants that disrupt the donor or acceptor splice site typically lead to a loss of protein function (PMID: 16199547), and loss-of-function variants in RAB28 are known to be pathogenic (PMID: 23746546, 25356532, 27529348). This variant is present in population databases (rs766054897, gnomAD 0.002%). This variant has not been reported in the literature in individuals affected with RAB28-related conditions. ClinVar contains an entry for this variant (Variation ID: 1953562). Algorithms developed to predict the effect of sequence changes on RNA splicing suggest that this variant may disrupt the consensus splice site. In summary, the currently available evidence indicates that the variant is pathogenic, but additional data are needed to prove that conclusively. Therefore, this variant has been classified as Likely Pathogenic.

Literature cited by the submitters: PubMed 16199547; PubMed 23746546; PubMed 25356532; PubMed 27529348.

NM_004249.4(RAB28):c.574-1G>A

Gene: RAB28 (RAB28, member RAS oncogene family; minus strand). Cytogenetic location: 4p15.33.
Variant type: single nucleotide variant.
Coding change: c.574-1G>A on transcript NM_004249.4 (MANE Plus Clinical); the canonical splice acceptor site of the intron before coding-DNA position 574, G replaced by A.
Molecular consequence: splice acceptor variant. On other transcripts: intron variant (2).
Genome position (GRCh38, 1-based): chr4:13,369,966, C>T on the plus strand (G>A on the coding strand, the complement: RAB28 is on the minus strand). VCF-style: chr4-13369966-C-T. GRCh37 (hg19) VCF-style: chr4-13371590-C-T.
Other names: c.574-1316G>A (NM_001017979.3); c.*32-1316G>A (NM_001159601.2).
Identifiers: ClinVar variation 1953562 (VCV001953562.5), dbSNP rs766054897, ClinGen allele CA2860001.